The following is an entry in ClinVar:

NM_000407.5(GP1BB):c.242T>G (p.Leu81Arg)

Genes: GP1BB (glycoprotein Ib platelet subunit beta; plus strand), SEPT5-GP1BB (SEPT5-GP1BB readthrough; plus strand). Cytogenetic location: 22q11.21.
Variant type: single nucleotide variant.
Coding change: c.242T>G on transcript NM_000407.5 (MANE Select); coding-DNA position 242, T replaced by G.
Protein change: p.Leu81Arg; replaces leucine 81 with arginine.
Molecular consequence: missense variant. On other transcripts: non-coding transcript variant (2).
Genome position (GRCh38, 1-based): chr22:19,724,085, T>G. VCF-style: chr22-19724085-T-G. GRCh37 (hg19) VCF-style: chr22-19711608-T-G.
Other names: short protein forms L81R.
Identifiers: ClinVar variation 1684329 (VCV001684329.1), dbSNP rs2145796108, ClinGen allele CA410676849.
Genomic context (GRCh38, chr22:19,724,085, plus strand): 5'-TGCTGACCGGCAACAACCTGACGGCGCTGCCGCCGGGGCTGCTGGACGCGCTGCCCGCGC[T>G]GCGCACCGCACACCTGGGCGCCAACCCCTGGCGCTGCGACTGCCGCCTTGTGCCGCTGCG-3'
Protein context (NP_000398.1, residues 71-91): PPGLLDALPA[Leu81Arg]RTAHLGANPW

ClinVar aggregate classification (germline): Uncertain significance (0 of 4 stars; one submission).

Conditions:
Bernard Soulier syndrome (BSS). Also called: BLEEDING DISORDER, PLATELET-TYPE, 1; GLYCOPROTEIN Ib, PLATELET, DEFICIENCY OF; Platelet Glycoprotein 1b, Deficiency of; Giant platelet syndrome; Hemorrhagiparous thrombocytic dystrophy; Giant platelet disease. Identifiers: Orphanet 274, MedGen C0005129, MeSH D001606, MONDO:0009276, OMIM 231200.

Submission:

ISTH-SSC Genomics in Thrombosis and Hemostasis, KU Leuven, Center for Molecular and Vascular Biology
Classification: Uncertain significance for Bernard Soulier syndrome. Review status: no assertion criteria provided. Collection method: research. Allele origin: unknown. Affected: yes.
Comment: Submitted to GoldVariant by Neil Morgan from Birmingham Platelet Group, Birmingham, UK